The following is an entry in ClinVar:

NM_017534.6(MYH2):c.620A>T (p.Lys207Met)

Genes: MYHAS (myosin heavy chain gene cluster antisense RNA; plus strand), MYH2 (myosin heavy chain 2; minus strand), LOC126862501 (CDK7 strongly-dependent group 2 enhancer GRCh37_chr17:10446256-10447455; plus strand). Cytogenetic location: 17p13.1.
Variant type: single nucleotide variant.
Coding change: c.620A>T on transcript NM_017534.6 (MANE Select); coding-DNA position 620, A replaced by T.
Protein change: p.Lys207Met; replaces lysine 207 with methionine.
Molecular consequence: missense variant.
Genome position (GRCh38, 1-based): chr17:10,543,930, T>A on the plus strand (A>T on the coding strand, the complement: MYH2 is on the minus strand). VCF-style: chr17-10543930-T-A. GRCh37 (hg19) VCF-style: chr17-10447247-T-A.
Other names: c.620A>T, p.Lys207Met (NM_001100112.2); short protein forms K207M.
Identifiers: ClinVar variation 1022189 (VCV001022189.5), dbSNP rs373306322, ClinGen allele CA8391586.
Genomic context (GRCh38, chr17:10,543,930, plus strand): 5'-GTCTGGATTCTGACTGTGACAATCAGACTCACCTGTATTTTGCCAGAAGTAATTTCTTCC[T>A]TCTTCTTCTCACCAGTAACTGCAATTGTTGCAAAGTACTGGATGACACGCTTGGTGTTCA-3'
Protein context (NP_060004.3, residues 197-217): ATIAVTGEKK[Lys207Met]EEITSGKIQG

ClinVar aggregate classification (germline): Uncertain significance (1 of 4 stars; one submission).

Conditions:
Myopathy, proximal, and ophthalmoplegia (CMYO6). Also called: INCLUSION BODY MYOPATHY 3, AUTOSOMAL DOMINANT; MYOPATHY WITH CONGENITAL JOINT CONTRACTURES, OPHTHALMOPLEGIA, AND RIMMED VACUOLES; CONGENITAL MYOPATHY 6 WITH OPHTHALMOPLEGIA. Identifiers: Orphanet 363677, Orphanet 79091, MedGen C1854106, MONDO:0011577, OMIM 605637.

Allele frequency attached by ClinVar (database versions not stated): gnomAD exomes below 0.00001; ExAC 0.00001; gnomAD 0.00001; TOPMed 0.00001; ESP Exome Variant Server 0.00008.
gnomAD v4.1: 4 of 1,614,092 alleles (0.00025%); highest among the groups gnomAD compares: African/African-American, 0.0053%; no homozygotes.

Submission:

Labcorp Genetics (formerly Invitae), Labcorp
Classification: Uncertain significance for Myopathy, proximal, and ophthalmoplegia. Last evaluated: 2022-09-07. Review status: criteria provided, single submitter. Criteria: Invitae Variant Classification Sherloc (09022015). Collection method: clinical testing. Allele origin: germline.
Comment: This variant has not been reported in the literature in individuals affected with MYH2-related conditions. In summary, the available evidence is currently insufficient to determine the role of this variant in disease. Therefore, it has been classified as a Variant of Uncertain Significance. Algorithms developed to predict the effect of missense changes on protein structure and function (SIFT, PolyPhen-2, Align-GVGD) all suggest that this variant is likely to be disruptive. ClinVar contains an entry for this variant (Variation ID: 1022189). This variant is present in population databases (rs373306322, gnomAD 0.008%). This sequence change replaces lysine, which is basic and polar, with methionine, which is neutral and non-polar, at codon 207 of the MYH2 protein (p.Lys207Met).